The following is an entry in ClinVar:

NM_002296.4(LBR):c.356C>T (p.Pro119Leu)

Gene: LBR (lamin B receptor; minus strand). Cytogenetic location: 1q42.12.
Variant type: single nucleotide variant.
Coding change: c.356C>T on transcript NM_002296.4 (MANE Select); coding-DNA position 356, C replaced by T.
Protein change: p.Pro119Leu; replaces proline 119 with leucine.
Molecular consequence: missense variant.
Genome position (GRCh38, 1-based): chr1:225,422,087, G>A on the plus strand (C>T on the coding strand, the complement: LBR is on the minus strand). VCF-style: chr1-225422087-G-A. GRCh37 (hg19) VCF-style: chr1-225609789-G-A.
Other names: c.356C>T, p.Pro119Leu (NM_194442.3); short protein forms P119L.
Identifiers: ClinVar variation 9530 (VCV000009530.27), dbSNP rs137852605, ClinGen allele CA120512.

ClinVar aggregate classification (germline): Conflicting classifications of pathogenicity. Review status: criteria provided, conflicting classifications (1 of 4 stars). 3 submissions from 3 submitters: Pathogenic (1); Uncertain significance (1). 1 of the submissions does not count toward it. Last evaluated 2024-08-29.

Conditions:
Pelger-Huët anomaly (PHA). Also called: Pelger-Huet Anomaly. Identifiers: MedGen C0030779, MONDO:0008214, OMIM 169400.

Allele frequency attached by ClinVar (database versions not stated): gnomAD exomes below 0.00001; gnomAD 0.00001.
gnomAD v4.1: 3 of 1,613,836 alleles (0.00019%); highest among the groups gnomAD compares: Non-Finnish European, 0.00025%; no homozygotes.

Submissions (3):

Labcorp Genetics (formerly Invitae), Labcorp
Classification: Pathogenic. Last evaluated: 2024-08-29. Review status: criteria provided, single submitter. Criteria: Invitae Variant Classification Sherloc (09022015). Collection method: clinical testing. Allele origin: germline.
Comment: This sequence change replaces proline, which is neutral and non-polar, with leucine, which is neutral and non-polar, at codon 119 of the LBR protein (p.Pro119Leu). This variant is not present in population databases (gnomAD no frequency). This missense change has been observed in individual(s) with Pelger-Huet anomaly (PMID: 14617022). It has also been observed to segregate with disease in related individuals. ClinVar contains an entry for this variant (Variation ID: 9530). An algorithm developed to predict the effect of missense changes on protein structure and function (PolyPhen-2) suggests that this variant is likely to be tolerated. For these reasons, this variant has been classified as Pathogenic.

CeGaT Center for Human Genetics Tuebingen
Classification: Uncertain significance. Last evaluated: 2023-08-01. Review status: criteria provided, single submitter. Criteria: CeGaT Center For Human Genetics Tuebingen Variant Classification Criteria Version 2. Collection method: clinical testing. Allele origin: germline. Affected: yes. Observed: 1 variant allele.
Comment: LBR: PM2

OMIM
Classification: Pathogenic for PELGER-HUET ANOMALY. Last evaluated: 2003-11-01. Review status: no assertion criteria provided. Collection method: literature only. Allele origin: germline. Not counted in ClinVar's aggregate classification.

Literature cited by the submitters: PubMed 14617022 (cited by Labcorp Genetics (formerly Invitae), Labcorp and OMIM).